The following is an entry in ClinVar:

NM_018847.4(KLHL9):c.897C>A (p.His299Gln)

Gene: KLHL9 (kelch like family member 9; minus strand). Cytogenetic location: 9p21.3.
Variant type: single nucleotide variant.
Coding change: c.897C>A on transcript NM_018847.4 (MANE Select); coding-DNA position 897, C replaced by A.
Protein change: p.His299Gln; replaces histidine 299 with glutamine.
Molecular consequence: missense variant.
Genome position (GRCh38, 1-based): chr9:21,333,963, G>T on the plus strand (C>A on the coding strand, the complement: KLHL9 is on the minus strand). VCF-style: chr9-21333963-G-T. GRCh37 (hg19) VCF-style: chr9-21333962-G-T.
Other names: short protein forms H299Q.
Identifiers: ClinVar variation 1954055 (VCV001954055.5), dbSNP rs2537381231, ClinGen allele CA373070855.

ClinVar aggregate classification (germline): Uncertain significance (1 of 4 stars; one submission).

Submission:

Labcorp Genetics (formerly Invitae), Labcorp
Classification: Uncertain significance. Last evaluated: 2022-03-19. Review status: criteria provided, single submitter. Criteria: Invitae Variant Classification Sherloc (09022015). Collection method: clinical testing. Allele origin: germline.
Comment: In summary, the available evidence is currently insufficient to determine the role of this variant in disease. Therefore, it has been classified as a Variant of Uncertain Significance. Algorithms developed to predict the effect of missense changes on protein structure and function are either unavailable or do not agree on the potential impact of this missense change (SIFT: "Not Available"; PolyPhen-2: "Benign"; Align-GVGD: "Not Available"). This variant has not been reported in the literature in individuals affected with KLHL9-related conditions. This variant is not present in population databases (gnomAD no frequency). This sequence change replaces histidine, which is basic and polar, with glutamine, which is neutral and polar, at codon 299 of the KLHL9 protein (p.His299Gln).